The following is an entry in ClinVar:

NM_000256.3(MYBPC3):c.2622C>T (p.Thr874=)

Gene: MYBPC3 (myosin binding protein C3; minus strand). Cytogenetic location: 11p11.2.
Variant type: single nucleotide variant.
Coding change: c.2622C>T on transcript NM_000256.3 (MANE Select); coding-DNA position 2622, C replaced by T.
Protein change: p.Thr874=; no amino-acid change (threonine 874 retained).
Molecular consequence: synonymous variant.
Genome position (GRCh38, 1-based): chr11:47,335,992, G>A on the plus strand (C>T on the coding strand, the complement: MYBPC3 is on the minus strand). VCF-style: chr11-47335992-G-A. GRCh37 (hg19) VCF-style: chr11-47357543-G-A.
Other names: c.2622C>T, p.Thr874= (LRG_386t1).
Identifiers: ClinVar variation 508278 (VCV000508278.3), dbSNP rs886048375, ClinGen allele CA221685964.

ClinVar aggregate classification (germline): Likely benign. Review status: criteria provided, multiple submitters, no conflicts (2 of 4 stars). 2 submissions from 2 submitters: Likely benign (2). Last evaluated 2020-01-08.

Conditions:
Cardiomyopathy (CMYO). Also called: Cardiomyopathies. Identifiers: Orphanet 167848, MedGen C0878544, MONDO:0004994, HP:0001638. Inheritance: Various modes of inheritance.

Allele frequency attached by ClinVar (database versions not stated): gnomAD exomes 0.00001.
gnomAD v4.1: 5 of 1,532,910 alleles (0.00033%); highest among the groups gnomAD compares: Admixed American, 0.002%; no homozygotes.

Submissions (2):

Color Diagnostics, LLC DBA Color Health
Classification: Likely benign for Cardiomyopathy. Last evaluated: 2020-01-08. Review status: criteria provided, single submitter. Criteria: ACMG Guidelines, 2015. Collection method: clinical testing. Allele origin: germline.

GeneDx
Classification: Likely benign. Last evaluated: 2017-03-22. Review status: criteria provided, single submitter. Criteria: GeneDx Variant Classification (06012015). Collection method: clinical testing. Allele origin: germline. Affected: yes.
Comment: This variant is considered likely benign or benign based on one or more of the following criteria: it is a conservative change, it occurs at a poorly conserved position in the protein, it is predicted to be benign by multiple in silico algorithms, and/or has population frequency not consistent with disease.